The following is an entry in ClinVar:

NM_004706.4(ARHGEF1):c.1340C>T (p.Ala447Val)

Gene: ARHGEF1 (Rho guanine nucleotide exchange factor 1; plus strand). Cytogenetic location: 19q13.2.
Variant type: single nucleotide variant.
Coding change: c.1340C>T on transcript NM_004706.4 (MANE Select); coding-DNA position 1340, C replaced by T.
Protein change: p.Ala447Val; replaces alanine 447 with valine.
Molecular consequence: missense variant. On other transcripts: non-coding transcript variant (2).
Genome position (GRCh38, 1-based): chr19:41,901,959, C>T. VCF-style: chr19-41901959-C-T. GRCh37 (hg19) VCF-style: chr19-42406109-C-T.
Other names: c.1385C>T, p.Ala462Val (NM_199002.2); c.1241C>T, p.Ala414Val (NM_198977.2, NM_001396002.1, NM_001396004.1); c.1508C>T, p.Ala503Val (NM_001396000.1); c.1340C>T, p.Ala447Val (NM_001396003.1, NM_001396006.1); short protein forms A414V, A447V, A462V, A503V.
Identifiers: ClinVar variation 2971308 (VCV002971308.3), dbSNP rs1555849095, ClinGen allele CA406060212.
Genomic context (GRCh38, chr19:41,901,959, plus strand): 5'-CAGAGGCGGCCCACGTGCGCATGCTGCGGGTGCTGCACGACCTCTTCTTCCAGCCCATGG[C>T]AGAATGCCTGTTCTTCCCCTTGGAGGAGCTGCAGAACATCTTCCCCAGCCTGGACGAGCT-3'
Protein context (NP_004697.2, residues 437-457): VLHDLFFQPM[Ala447Val]ECLFFPLEEL

ClinVar aggregate classification (germline): Uncertain significance (1 of 4 stars; one submission).

Allele frequency attached by ClinVar (database versions not stated): gnomAD exomes 0.00001.
gnomAD v4.1: 4 of 1,614,096 alleles (0.00025%); highest among the groups gnomAD compares: Admixed American, 0.0017%; no homozygotes.

Submission:

Labcorp Genetics (formerly Invitae), Labcorp
Classification: Uncertain significance. Last evaluated: 2024-05-23. Review status: criteria provided, single submitter. Criteria: Invitae Variant Classification Sherloc (09022015). Collection method: clinical testing. Allele origin: germline.
Comment: This sequence change replaces alanine, which is neutral and non-polar, with valine, which is neutral and non-polar, at codon 462 of the ARHGEF1 protein (p.Ala462Val). This variant is present in population databases (no rsID available, gnomAD 0.003%). This variant has not been reported in the literature in individuals affected with ARHGEF1-related conditions. Algorithms developed to predict the effect of missense changes on protein structure and function output the following: SIFT: "Not Available"; PolyPhen-2: "Benign"; Align-GVGD: "Not Available". The valine amino acid residue is found in multiple mammalian species, which suggests that this missense change does not adversely affect protein function. In summary, the available evidence is currently insufficient to determine the role of this variant in disease. Therefore, it has been classified as a Variant of Uncertain Significance.